The following is an entry in ClinVar:

ClinVar aggregate classification (germline): Uncertain significance (1 of 4 stars; one submission).

Conditions:
Hereditary cancer-predisposing syndrome. Also called: Hereditary Cancer Syndrome; Neoplastic Syndromes, Hereditary; Tumor predisposition; Hereditary neoplastic syndrome. Identifiers: Orphanet 140162, MedGen C0027672, MeSH D009386, MONDO:0015356.

Allele frequency attached by ClinVar (database versions not stated): gnomAD exomes 0.00001.
gnomAD v4.1: 4 of 1,612,220 alleles (0.00025%); highest among the groups gnomAD compares: Admixed American, 0.0067%; no homozygotes.

Submission:

Ambry Genetics
Classification: Uncertain significance for Hereditary cancer-predisposing syndrome. Last evaluated: 2021-03-03. Review status: criteria provided, single submitter. Criteria: Ambry Variant Classification Scheme 2023. Collection method: clinical testing. Allele origin: germline.
Comment: The p.V161A variant (also known as c.482T>C), located in coding exon 3 of the NTHL1 gene, results from a T to C substitution at nucleotide position 482. The valine at codon 161 is replaced by alanine, an amino acid with similar properties. This amino acid position is well conserved in available vertebrate species. In addition, this alteration is predicted to be tolerated by in silico analysis. Since supporting evidence is limited at this time, the clinical significance of this alteration remains unclear.

NM_002528.7(NTHL1):c.458T>C (p.Val153Ala)

Gene: NTHL1 (nth like DNA glycosylase 1; minus strand). Cytogenetic location: 16p13.3.
Variant type: single nucleotide variant.
Coding change: c.458T>C on transcript NM_002528.7 (MANE Select); coding-DNA position 458, T replaced by C.
Protein change: p.Val153Ala; replaces valine 153 with alanine.
Molecular consequence: missense variant. On other transcripts: intron variant (1).
Genome position (GRCh38, 1-based): chr16:2,044,697, A>G on the plus strand (T>C on the coding strand, the complement: NTHL1 is on the minus strand). VCF-style: chr16-2044697-A-G. GRCh37 (hg19) VCF-style: chr16-2094698-A-G.
Other names: c.128T>C, p.Val43Ala (NM_001318194.2); c.355-971T>C (NM_001318193.2); short protein forms V153A, V43A.
Identifiers: ClinVar variation 1743424 (VCV001743424.2), dbSNP rs1274425099, ClinGen allele CA394294271.